The following is an entry in ClinVar:

ClinVar aggregate classification (germline): Conflicting classifications of pathogenicity. Review status: criteria provided, conflicting classifications (1 of 4 stars). 2 submissions from 2 submitters: Uncertain significance (1); Likely benign (1). Last evaluated 2024-08-05.

Conditions:
Hereditary cancer-predisposing syndrome. Also called: Tumor predisposition; Hereditary neoplastic syndrome; Hereditary Cancer Syndrome; Neoplastic Syndromes, Hereditary. Identifiers: Orphanet 140162, MedGen C0027672, MeSH D009386, MONDO:0015356.
Familial cancer of breast. Also called: Hereditary breast cancer; hereditary breast carcinoma; BREAST CANCER, FAMILIAL. Identifiers: Orphanet 227535, MedGen C0346153, MONDO:0016419, OMIM 114480. Disease mechanism: loss of function.

Submissions (2):

Labcorp Genetics (formerly Invitae), Labcorp
Classification: Likely benign for Familial cancer of breast. Last evaluated: 2024-08-05. Review status: criteria provided, single submitter. Criteria: Invitae Variant Classification Sherloc (09022015). Collection method: clinical testing. Allele origin: germline.

Ambry Genetics
Classification: Uncertain significance for Hereditary cancer-predisposing syndrome. Last evaluated: 2021-08-05. Review status: criteria provided, single submitter. Criteria: Ambry Variant Classification Scheme 2023. Collection method: clinical testing. Allele origin: germline.
Comment: The c.1396-5_1396-2delATTA intronic variant is located upstream from coding exon 6 in the BARD1 gene. This variant results from a deletion of 4 nucleotides at positions c.1396-5-x to c.1396-2. In silico splice site analysis predicts that this alteration will not have any significant effect on splicing. This nucleotide region is well conserved in available vertebrate species. Since supporting evidence is limited at this time, the clinical significance of this alteration remains unclear.

NM_000465.4(BARD1):c.1396-5_1396-2del

Gene: BARD1 (BRCA1 associated RING domain 1; minus strand). Cytogenetic location: 2q35.
Variant type: Deletion.
Coding change: c.1396-5_1396-2del on transcript NM_000465.4 (MANE Select); 5 bases into the intron before coding-DNA position 1396 through the canonical splice acceptor site of the intron before coding-DNA position 1396, 4 bases deleted (ATTA; older notation c.1396-5_1396-2delATTA).
Molecular consequence: splice acceptor variant. On other transcripts: intron variant (3).
Genome position (GRCh38, 1-based): chr2:214,767,656-214,767,659, TAAT deleted on the plus strand (ATTA on the coding strand, the reverse complement: BARD1 is on the minus strand); deleting any 4 consecutive bases within chr2:214,767,656-214,767,662 gives the same sequence; the c. name uses the placement nearest the transcript's 3' end. VCF-style (leftmost placement, unchanged base first): chr2-214767655-CTAAT-C. GRCh37 (hg19) VCF-style: chr2-215632379-CTAAT-C.
Other names: c.159-15104_159-15101del (NM_001282548.2); c.1339-5_1339-2del (NM_001282543.2); c.216-15104_216-15101del (NM_001282545.2); c.364+24638_364+24641del (NM_001282549.2).
Identifiers: ClinVar variation 1099174 (VCV001099174.12), dbSNP rs2106077295, ClinGen allele CA2499215617.